The following is an entry in ClinVar:

NM_001111125.3(IQSEC2):c.4138G>A (p.Ala1380Thr)

Gene: IQSEC2 (IQ motif and Sec7 domain ArfGEF 2; minus strand). Cytogenetic location: Xp11.22.
Variant type: single nucleotide variant.
Coding change: c.4138G>A on transcript NM_001111125.3 (MANE Select); coding-DNA position 4138, G replaced by A.
Protein change: p.Ala1380Thr; replaces alanine 1380 with threonine.
Molecular consequence: missense variant. On other transcripts: 3 prime UTR variant (2).
Genome position (GRCh38, 1-based): chrX:53,234,548, C>T on the plus strand (G>A on the coding strand, the complement: IQSEC2 is on the minus strand). VCF-style: chrX-53234548-C-T. GRCh37 (hg19) VCF-style: chrX-53263730-C-T.
Other names: c.*623G>A (NM_001410736.1, NM_015075.2); c.4138G>A (NM_001111125.2); short protein forms A1380T.
Identifiers: ClinVar variation 2795465 (VCV002795465.4), dbSNP rs2519669275, ClinGen allele CA413139378.

ClinVar aggregate classification (germline): Uncertain significance. Review status: criteria provided, multiple submitters, no conflicts (2 of 4 stars). 2 submissions from 2 submitters: Uncertain significance (2). Last evaluated 2025-03-01.

Conditions:
Intellectual developmental disorder, X-linked 1. Also called: Atkin Flaitz Patil Smith syndrome; Intellectual disability, X-linked 1; MENTAL RETARDATION, X-LINKED 18; MENTAL RETARDATION, X-LINKED 78. Identifiers: Orphanet 777, MedGen C2931498, MONDO:0010656, OMIM 309530.
Inborn genetic diseases. Identifiers: MedGen C0950123, MeSH D030342.

Submissions (2):

Ambry Genetics
Classification: Uncertain significance for Inborn genetic diseases. Last evaluated: 2025-03-01. Review status: criteria provided, single submitter. Criteria: Ambry Variant Classification Scheme 2023. Collection method: clinical testing. Allele origin: germline.

Labcorp Genetics (formerly Invitae), Labcorp
Classification: Uncertain significance for Intellectual developmental disorder, X-linked 1. Last evaluated: 2023-08-16. Review status: criteria provided, single submitter. Criteria: Invitae Variant Classification Sherloc (09022015). Collection method: clinical testing. Allele origin: germline.
Comment: Advanced modeling of protein sequence and biophysical properties (such as structural, functional, and spatial information, amino acid conservation, physicochemical variation, residue mobility, and thermodynamic stability) performed at Invitae indicates that this missense variant is not expected to disrupt IQSEC2 protein function. This sequence change replaces alanine, which is neutral and non-polar, with threonine, which is neutral and polar, at codon 1380 of the IQSEC2 protein (p.Ala1380Thr). This variant is not present in population databases (gnomAD no frequency). This variant has not been reported in the literature in individuals affected with IQSEC2-related conditions. In summary, the available evidence is currently insufficient to determine the role of this variant in disease. Therefore, it has been classified as a Variant of Uncertain Significance.